The following is an entry in ClinVar:

NM_025114.4(CEP290):c.6037T>C (p.Ser2013Pro)

Gene: CEP290 (centrosomal protein 290; minus strand). Cytogenetic location: 12q21.32.
Variant type: single nucleotide variant.
Coding change: c.6037T>C on transcript NM_025114.4 (MANE Select); coding-DNA position 6037, T replaced by C.
Protein change: p.Ser2013Pro; replaces serine 2013 with proline.
Molecular consequence: missense variant.
Genome position (GRCh38, 1-based): chr12:88,068,620, A>G on the plus strand (T>C on the coding strand, the complement: CEP290 is on the minus strand). VCF-style: chr12-88068620-A-G. GRCh37 (hg19) VCF-style: chr12-88462397-A-G.
Other names: short protein forms S2013P.
Identifiers: ClinVar variation 1478397 (VCV001478397.6), dbSNP rs2136913105, ClinGen allele CA385982368.

ClinVar aggregate classification (germline): Uncertain significance (1 of 4 stars; one submission).

Conditions:
Nephronophthisis. Also called: Juvenile Nephronophthisis. Identifiers: Orphanet 655, MedGen C0687120, MONDO:0019005, HP:0000090.
Meckel-Gruber syndrome. Also called: DYSENCEPHALIA SPLANCHNOCYSTICA; GRUBER SYNDROME; Dysencephalia splachnocystica. Identifiers: Orphanet 564, MedGen C0265215, MONDO:0018921.
Joubert syndrome. Also called: CEREBELLOPARENCHYMAL DISORDER IV; JOUBERT-BOLTSHAUSER SYNDROME; Familial aplasia of the vermis. Identifiers: Orphanet 475, MedGen C5979921, MONDO:0018772.

Submission:

Labcorp Genetics (formerly Invitae), Labcorp
Classification: Uncertain significance for Joubert syndrome; Meckel-Gruber syndrome; Nephronophthisis. Last evaluated: 2021-11-03. Review status: criteria provided, single submitter. Criteria: Invitae Variant Classification Sherloc (09022015). Collection method: clinical testing. Allele origin: germline.
Comment: In summary, the available evidence is currently insufficient to determine the role of this variant in disease. Therefore, it has been classified as a Variant of Uncertain Significance. Algorithms developed to predict the effect of missense changes on protein structure and function are either unavailable or do not agree on the potential impact of this missense change (SIFT: "Tolerated"; PolyPhen-2: "Possibly Damaging"; Align-GVGD: "Class C15"). This variant has not been reported in the literature in individuals affected with CEP290-related conditions. This variant is not present in population databases (gnomAD no frequency). This sequence change replaces serine, which is neutral and polar, with proline, which is neutral and non-polar, at codon 2013 of the CEP290 protein (p.Ser2013Pro).